The following is an entry in ClinVar:

Conditions:
Long QT syndrome 5 (LQT5). Identifiers: Orphanet 101016, Orphanet 768, MedGen C1867904, MONDO:0013372, OMIM 613695.

Submission:

Roden Lab, Vanderbilt University Medical Center
No classification provided (evidence only). Condition: Long QT syndrome 5. Review status: no classification provided. Collection method: in vitro. Allele origin: not applicable. Functional consequence: Effect on ion channel function.
ClinVar note: "not provided" was previously submitted as the classification for the variant. However, the classification appeared to be based only on an observation of functional data so it was converted to no classification on 2025-07-30.

NM_000219.6(KCNE1):c.284T>C (p.Val95Ala)

Gene: KCNE1 (potassium voltage-gated channel subfamily E regulatory subunit 1; minus strand). Cytogenetic location: 21q22.12.
Variant type: single nucleotide variant.
Coding change: c.284T>C on transcript NM_000219.6 (MANE Select); coding-DNA position 284, T replaced by C.
Protein change: p.Val95Ala; replaces valine 95 with alanine.
Molecular consequence: missense variant.
Genome position (GRCh38, 1-based): chr21:34,449,351, A>G on the plus strand (T>C on the coding strand, the complement: KCNE1 is on the minus strand). VCF-style: chr21-34449351-A-G. GRCh37 (hg19) VCF-style: chr21-35821649-A-G.
Other names: c.284T>C, p.Val95Ala (NM_001127668.4, NM_001127669.4, NM_001127670.4 and 4 more transcripts); short protein forms V95A.
Identifiers: ClinVar variation 3374530 (VCV003374530.2).
Genomic context (GRCh38, chr21:34,449,351, plus strand): 5'-ATGGCCAGATGGTTTTCAACGACATAGCACGACCTGTAGCTCTCCAGGACCCGGGCCTGG[A>G]CATAGGCCTTGTCCTTCTCTTGCCAGGCATCGGACTCGATGTAGACGTTGAATGGGTCGT-3'
Protein context (NP_000210.2, residues 85-105): DAWQEKDKAY[Val95Ala]QARVLESYRS